The following is an entry in ClinVar:

NM_024422.6(DSC2):c.2264G>T (p.Gly755Val)

Gene: DSC2 (desmocollin 2; minus strand). Cytogenetic location: 18q12.1.
Variant type: single nucleotide variant.
Coding change: c.2264G>T on transcript NM_024422.6 (MANE Select); coding-DNA position 2264, G replaced by T.
Protein change: p.Gly755Val; replaces glycine 755 with valine.
Molecular consequence: missense variant.
Genome position (GRCh38, 1-based): chr18:31,069,138, C>A on the plus strand (G>T on the coding strand, the complement: DSC2 is on the minus strand). VCF-style: chr18-31069138-C-A. GRCh37 (hg19) VCF-style: chr18-28649104-C-A.
Other names: p.Gly755Val; c.2264G>T, p.Gly755Val (NM_004949.5); short protein forms G755V.
Identifiers: ClinVar variation 536270 (VCV000536270.19), dbSNP rs367990772, ClinGen allele CA035969.
Genomic context (GRCh38, chr18:31,069,138, plus strand): 5'-CCTGATCCCACGGTGCCACAAACTCCCTGAGCAGAAGCGCCCACAGTTTGGGTTGTGAAG[C>A]CATTCGCAGAATACTGAAATGAAAACAATTTGCATTAGGGATAATACAGAGAGGAACACA-3'
Protein context (NP_077740.1, residues 745-765): PGDDKVYSAN[Gly755Val]FTTQTVGASA

ClinVar aggregate classification (germline): Conflicting classifications of pathogenicity. Review status: criteria provided, conflicting classifications (1 of 4 stars). 6 submissions from 6 submitters: Uncertain significance (2); Likely benign (4). Last evaluated 2025-01-26.

Conditions:
Arrhythmogenic right ventricular dysplasia 11. Also called: Arrhythmogenic right ventricular dysplasia 11 with mild palmoplantar keratoderma and woolly hair; Arrhythmogenic Right Ventricular Dysplasia/Cardiomyopathy11; ARRHYTHMOGENIC RIGHT VENTRICULAR DYSPLASIA, FAMILIAL, 11. Identifiers: MedGen C1864850, MONDO:0012506, OMIM 610476.
Familial isolated arrhythmogenic right ventricular dysplasia. Identifiers: Orphanet 217656, MedGen C4274968, MONDO:0016342.
Cardiovascular phenotype. Identifiers: MedGen CN230736.
Cardiomyopathy (CMYO). Also called: Cardiomyopathies. Identifiers: Orphanet 167848, MedGen C0878544, MONDO:0004994, HP:0001638. Inheritance: Various modes of inheritance.

Allele frequency attached by ClinVar (database versions not stated): ESP Exome Variant Server 0.00015; TOPMed 0.00019; 1000 Genomes Project 0.00040; ExAC 0.00006; gnomAD exomes 0.00004; gnomAD 0.00018; 1000 Genomes Project 30x 0.00031.
gnomAD v4.1: 56 of 1,614,072 alleles (0.0035%); highest among the groups gnomAD compares: African/African-American, 0.064%; no homozygotes.

Submissions (6):

Labcorp Genetics (formerly Invitae), Labcorp
Classification: Uncertain significance for Arrhythmogenic right ventricular dysplasia 11. Last evaluated: 2025-01-26. Review status: criteria provided, single submitter. Criteria: Invitae Variant Classification Sherloc (09022015). Collection method: clinical testing. Allele origin: germline.
Comment: This sequence change replaces glycine, which is neutral and non-polar, with valine, which is neutral and non-polar, at codon 755 of the DSC2 protein (p.Gly755Val). This variant is present in population databases (rs367990772, gnomAD 0.06%), and has an allele count higher than expected for a pathogenic variant. This missense change has been observed in individual(s) with clinical features of DSC2-related conditions (PMID: 32009526). ClinVar contains an entry for this variant (Variation ID: 536270). Invitae Evidence Modeling of protein sequence and biophysical properties (such as structural, functional, and spatial information, amino acid conservation, physicochemical variation, residue mobility, and thermodynamic stability) indicates that this missense variant is not expected to disrupt DSC2 protein function with a negative predictive value of 80%. In summary, the available evidence is currently insufficient to determine the role of this variant in disease. Therefore, it has been classified as a Variant of Uncertain Significance.

Mayo Clinic Laboratories, Mayo Clinic
Classification: Likely benign. Last evaluated: 2025-01-17. Review status: criteria provided, single submitter. Criteria: ACMG Guidelines, 2015. Collection method: clinical testing. Allele origin: germline. Observed: 1 variant allele.
Comment: BS1, BP4_moderate

All of Us Research Program, National Institutes of Health
Classification: Likely benign for Familial isolated arrhythmogenic right ventricular dysplasia. Last evaluated: 2023-12-01. Review status: criteria provided, single submitter. Criteria: ACMG Guidelines, 2015. Collection method: clinical testing. Allele origin: germline. Inheritance: Autosomal dominant inheritance. Observed: 5 variant alleles, 5 heterozygotes.
Comment: This study involves interpretation of variants in research participants for the purpose of population health screening. Participant phenotype was not available at the time of variant classification. Additional details can be found in publication PMID: 35346344, PMCID: PMC8962531

GeneDx
Classification: Uncertain significance. Last evaluated: 2023-11-22. Review status: criteria provided, single submitter. Criteria: GeneDx Variant Classification Process June 2021. Collection method: clinical testing. Allele origin: germline. Affected: yes.
Comment: Reported in an individual with cardiomyopathy who underwent exome analysis (PMID: 32009526); In silico analysis, which includes protein predictors and evolutionary conservation, supports that this variant does not alter protein structure/function; This variant is associated with the following publications: (PMID: 32009526)

Ambry Genetics
Classification: Likely benign for Cardiovascular phenotype. Last evaluated: 2021-09-02. Review status: criteria provided, single submitter. Criteria: Ambry Variant Classification Scheme 2023. Collection method: clinical testing. Allele origin: germline.

Color Diagnostics, LLC DBA Color Health
Classification: Likely benign for Cardiomyopathy. Last evaluated: 2020-09-09. Review status: criteria provided, single submitter. Criteria: ACMG Guidelines, 2015. Collection method: clinical testing. Allele origin: germline.

Literature cited by the submitters: PubMed 32009526 (cited by Labcorp Genetics (formerly Invitae), Labcorp and Mayo Clinic Laboratories, Mayo Clinic).